The following is an entry in ClinVar:

ClinVar aggregate classification (germline): Uncertain significance. Review status: criteria provided, multiple submitters, no conflicts (2 of 4 stars). 3 submissions from 3 submitters: Uncertain significance (3). Last evaluated 2024-09-11.

Conditions:
Inborn genetic diseases. Identifiers: MedGen C0950123, MeSH D030342.
Lissencephaly 8 (LIS8). Identifiers: MedGen C4310646, MONDO:0014992, OMIM 617255.

Allele frequency attached by ClinVar (database versions not stated): ExAC 0.00003; gnomAD exomes 0.00005 and 0.00013; TOPMed 0.00005; gnomAD 0.00006; ESP Exome Variant Server 0.00015.
gnomAD v4.1: 197 of 1,607,506 alleles (0.012%); highest among the groups gnomAD compares: Non-Finnish European, 0.016%; no homozygotes.

Submissions (3):

Labcorp Genetics (formerly Invitae), Labcorp
Classification: Uncertain significance. Last evaluated: 2024-09-11. Review status: criteria provided, single submitter. Criteria: Invitae Variant Classification Sherloc (09022015). Collection method: clinical testing. Allele origin: germline.
Comment: This sequence change replaces isoleucine, which is neutral and non-polar, with valine, which is neutral and non-polar, at codon 4 of the TMTC3 protein (p.Ile4Val). This variant is present in population databases (rs146954242, gnomAD 0.01%). This variant has not been reported in the literature in individuals affected with TMTC3-related conditions. ClinVar contains an entry for this variant (Variation ID: 1033238). An algorithm developed to predict the effect of missense changes on protein structure and function outputs the following: PolyPhen-2: "Benign". The valine amino acid residue is found in multiple mammalian species, which suggests that this missense change does not adversely affect protein function. In summary, the available evidence is currently insufficient to determine the role of this variant in disease. Therefore, it has been classified as a Variant of Uncertain Significance.

Ambry Genetics
Classification: Uncertain significance for Inborn genetic diseases. Last evaluated: 2022-07-21. Review status: criteria provided, single submitter. Criteria: Ambry Variant Classification Scheme 2023. Collection method: clinical testing. Allele origin: germline.

Baylor Genetics
Classification: Uncertain significance for Lissencephaly 8. Last evaluated: 2018-09-07. Review status: criteria provided, single submitter. Criteria: ACMG Guidelines, 2015. Collection method: clinical testing. Allele origin: paternal. Affected: yes.
Comment: This variant was determined to be of uncertain significance according to ACMG Guidelines, 2015 [PMID:25741868].

NM_181783.4(TMTC3):c.10A>G (p.Ile4Val)

Gene: TMTC3 (transmembrane O-mannosyltransferase targeting cadherins 3; plus strand). Cytogenetic location: 12q21.32.
Variant type: single nucleotide variant.
Coding change: c.10A>G on transcript NM_181783.4 (MANE Select); coding-DNA position 10, A replaced by G.
Protein change: p.Ile4Val; replaces isoleucine 4 with valine.
Molecular consequence: missense variant. On other transcripts: non-coding transcript variant (1), intron variant (3).
Genome position (GRCh38, 1-based): chr12:88,148,325, A>G. VCF-style: chr12-88148325-A-G. GRCh37 (hg19) VCF-style: chr12-88542102-A-G.
Other names: c.10A>G, p.Ile4Val (NM_001366579.1); c.-77-94A>G (NM_001366574.1); c.-78-4966A>G (NM_001366580.1); c.-286+5838A>G (NM_001366583.1); short protein forms I4V.
Identifiers: ClinVar variation 1033238 (VCV001033238.6), dbSNP rs146954242, ClinGen allele CA6712953.